The following is an entry in ClinVar:

ClinVar aggregate classification (germline): Uncertain significance. Review status: criteria provided, multiple submitters, no conflicts (2 of 4 stars). 2 submissions from 2 submitters: Uncertain significance (2). Last evaluated 2025-06-23.

Conditions:
Ataxia-telangiectasia-like disorder (ATLD). Identifiers: MedGen C1858391, MONDO:0011457.
Hereditary cancer-predisposing syndrome. Also called: Neoplastic Syndromes, Hereditary; Tumor predisposition; Hereditary Cancer Syndrome; Hereditary neoplastic syndrome. Identifiers: Orphanet 140162, MedGen C0027672, MeSH D009386, MONDO:0015356.

Allele frequency attached by ClinVar (database versions not stated): gnomAD exomes below 0.00001; ExAC 0.00001; gnomAD 0.00001; TOPMed 0.00001.
gnomAD v4.1: 19 of 1,613,088 alleles (0.0012%); highest among the groups gnomAD compares: Middle Eastern, 0.033%; no homozygotes.

Submissions (2):

Labcorp Genetics (formerly Invitae), Labcorp
Classification: Uncertain significance for Ataxia-telangiectasia-like disorder. Last evaluated: 2025-06-23. Review status: criteria provided, single submitter. Criteria: Invitae Variant Classification Sherloc (09022015). Collection method: clinical testing. Allele origin: germline.
Comment: This sequence change replaces arginine, which is basic and polar, with histidine, which is basic and polar, at codon 520 of the MRE11A protein (p.Arg520His). The frequency data for this variant in the population databases is considered unreliable, as metrics indicate poor data quality at this position in the gnomAD database. This variant has not been reported in the literature in individuals affected with MRE11A-related conditions. ClinVar contains an entry for this variant (Variation ID: 187447). An algorithm developed to predict the effect of missense changes on protein structure and function (PolyPhen-2) suggests that this variant is likely to be tolerated. In summary, the available evidence is currently insufficient to determine the role of this variant in disease. Therefore, it has been classified as a Variant of Uncertain Significance.

Ambry Genetics
Classification: Uncertain significance for Hereditary cancer-predisposing syndrome. Last evaluated: 2024-11-06. Review status: criteria provided, single submitter. Criteria: Ambry Variant Classification Scheme 2023. Collection method: clinical testing. Allele origin: germline.
Comment: The p.R520H variant (also known as c.1559G>A), located in coding exon 13 of the MRE11A gene, results from a G to A substitution at nucleotide position 1559. The arginine at codon 520 is replaced by histidine, an amino acid with highly similar properties. This amino acid position is highly conserved in available vertebrate species. In addition, the in silico prediction for this alteration is inconclusive. Based on the available evidence, the clinical significance of this variant remains unclear.

NM_005591.4(MRE11):c.1559G>A (p.Arg520His)

Gene: MRE11 (MRE11 double strand break repair nuclease; minus strand). Cytogenetic location: 11q21.
Variant type: single nucleotide variant.
Coding change: c.1559G>A on transcript NM_005591.4 (MANE Select); coding-DNA position 1559, G replaced by A.
Protein change: p.Arg520His; replaces arginine 520 with histidine.
Molecular consequence: missense variant.
Genome position (GRCh38, 1-based): chr11:94,456,280, C>T on the plus strand (G>A on the coding strand, the complement: MRE11 is on the minus strand). VCF-style: chr11-94456280-C-T. GRCh37 (hg19) VCF-style: chr11-94189446-C-T.
Other names: c.1559G>A, p.Arg520His (NM_001330347.2, NM_005590.4); short protein forms R520H.
Identifiers: ClinVar variation 187447 (VCV000187447.14), dbSNP rs753148077, ClinGen allele CA333913.